The following is an entry in ClinVar:

ClinVar aggregate classification (germline): Uncertain significance. Review status: criteria provided, multiple submitters, no conflicts (2 of 4 stars). 2 submissions from 2 submitters: Uncertain significance (2). Last evaluated 2025-12-03.

Conditions:
Inborn genetic diseases. Identifiers: MedGen C0950123, MeSH D030342.
Autosomal recessive limb-girdle muscular dystrophy type 2L (LGMDR12). Also called: Limb-Girdle Muscular Dystrophy R12 Anoctamin-5-Related (LGMD-R12); Limb-girdle muscular dystrophy, type 2L; MUSCULAR DYSTROPHY, LIMB-GIRDLE, AUTOSOMAL RECESSIVE 12. Identifiers: Orphanet 206549, MedGen C1969785, MONDO:0012652, OMIM 611307.
Gnathodiaphyseal dysplasia (GDD). Also called: GNATHODIAPHYSEAL SCLEROSIS; OSTEOGENESIS IMPERFECTA WITH UNUSUAL SKELETAL LESIONS. Identifiers: Orphanet 53697, MedGen C1833736, MONDO:0008151, OMIM 166260.

Allele frequency attached by ClinVar (database versions not stated): ExAC 0.00001; TOPMed 0.00001; gnomAD exomes 0.00002; gnomAD 0.00003.
gnomAD v4.1: 64 of 1,613,206 alleles (0.004%); highest among the groups gnomAD compares: Middle Eastern, 0.016%; no homozygotes.

Submissions (2):

Labcorp Genetics (formerly Invitae), Labcorp
Classification: Uncertain significance for Autosomal recessive limb-girdle muscular dystrophy type 2L; Gnathodiaphyseal dysplasia. Last evaluated: 2025-12-03. Review status: criteria provided, single submitter. Criteria: Invitae Variant Classification Sherloc (09022015). Collection method: clinical testing. Allele origin: germline.
Comment: This sequence change replaces arginine, which is basic and polar, with glutamine, which is neutral and polar, at codon 799 of the ANO5 protein (p.Arg799Gln). This variant is present in population databases (rs747460085, gnomAD 0.004%). This variant has not been reported in the literature in individuals affected with ANO5-related conditions. ClinVar contains an entry for this variant (Variation ID: 468842). Invitae Evidence Modeling of protein sequence and biophysical properties (such as structural, functional, and spatial information, amino acid conservation, physicochemical variation, residue mobility, and thermodynamic stability) indicates that this missense variant is not expected to disrupt ANO5 protein function with a negative predictive value of 80%. In summary, the available evidence is currently insufficient to determine the role of this variant in disease. Therefore, it has been classified as a Variant of Uncertain Significance.

Ambry Genetics
Classification: Uncertain significance for Inborn genetic diseases. Last evaluated: 2024-02-05. Review status: criteria provided, single submitter. Criteria: Ambry Variant Classification Scheme 2023. Collection method: clinical testing. Allele origin: germline.

NM_213599.3(ANO5):c.2396G>A (p.Arg799Gln)

Gene: ANO5 (anoctamin 5; plus strand). Cytogenetic location: 11p14.3.
Variant type: single nucleotide variant.
Coding change: c.2396G>A on transcript NM_213599.3 (MANE Select); coding-DNA position 2396, G replaced by A.
Protein change: p.Arg799Gln; replaces arginine 799 with glutamine.
Molecular consequence: missense variant.
Genome position (GRCh38, 1-based): chr11:22,274,729, G>A. VCF-style: chr11-22274729-G-A. GRCh37 (hg19) VCF-style: chr11-22296275-G-A.
Other names: c.2393G>A, p.Arg798Gln (NM_001142649.2); short protein forms R799Q, R798Q.
Identifiers: ClinVar variation 468842 (VCV000468842.11), dbSNP rs747460085, ClinGen allele CA5923539.
Genomic context (GRCh38, chr11:22,274,729, plus strand): 5'-ATAGCCTGTCAGTATTCCTGATAGCTGATTTTCCAAACCACACTGCACCTTCGGAAAAAC[G>A]AGACTTCATCACTTGCAGGTGATTTGTTTGTTTGTTTGTTTAGGTTTTAGTTTTATCCCT-3'
Protein context (NP_998764.1, residues 789-809): FPNHTAPSEK[Arg799Gln]DFITCRYRDY